The following is an entry in ClinVar:

ClinVar aggregate classification (germline): Uncertain significance (1 of 4 stars; one submission).

Conditions:
NFKB1-related disorder. Also called: NFKB1-related condition.

gnomAD v4.1: 4 of 1,608,338 alleles (0.00025%); highest among the groups gnomAD compares: African/African-American, 0.0053%; no homozygotes.

Submission:

PreventionGenetics, part of Exact Sciences
Classification: Uncertain significance for NFKB1-related condition. Last evaluated: 2026-03-30. Review status: criteria provided, single submitter. Criteria: ACMG Guidelines, 2015. Collection method: clinical testing. Allele origin: germline.
Comment: The NFKB1 c.1479G>C variant is predicted to result in the amino acid substitution p.Glu493Asp. This variant has been reported in study of individuals with common variable immunodeficiency, however additional evidence was not provided to determine if this variant was present in a health or affected individual (Table S1, Li et al. 2021. PubMed ID: 34473196). This variant is reported in 0.0062% of alleles in individuals of African descent in gnomAD. At this time, the clinical significance of this variant is uncertain due to the absence of conclusive functional and genetic evidence.

NM_003998.4(NFKB1):c.1479G>C (p.Glu493Asp)

Gene: NFKB1 (nuclear factor kappa B subunit 1; plus strand). Cytogenetic location: 4q24.
Variant type: single nucleotide variant.
Coding change: c.1479G>C on transcript NM_003998.4 (MANE Select); coding-DNA position 1479, G replaced by C.
Protein change: p.Glu493Asp; replaces glutamic acid 493 with aspartic acid.
Molecular consequence: missense variant.
Genome position (GRCh38, 1-based): chr4:102,596,316, G>C. VCF-style: chr4-102596316-G-C. GRCh37 (hg19) VCF-style: chr4-103517473-G-C.
Other names: c.1476G>C, p.Glu492Asp (NM_001165412.2, NM_001319226.2, NM_001382627.1); c.1479G>C, p.Glu493Asp (NM_001382625.1, NM_001382626.1); c.1437G>C, p.Glu479Asp (NM_001382628.1); short protein forms E479D, E492D, E493D.
Identifiers: ClinVar variation 4985784 (VCV004985784.1).